The following is an entry in ClinVar:

NM_001289808.2(CRYAB):c.116dup (p.Thr40fs)

Gene: CRYAB (crystallin alpha B; minus strand). Cytogenetic location: 11q23.1.
Variant type: Duplication.
Coding change: c.116dup on transcript NM_001289808.2 (MANE Select); coding-DNA position 116, one base duplicated (C; older notation c.116dupC).
Protein change: p.Thr40fs; shifts the reading frame from threonine 40.
Molecular consequence: frameshift variant.
Genome position (GRCh38, 1-based): chr11:111,911,609, G duplicated on the plus strand (C on the coding strand, the reverse complement: CRYAB is on the minus strand); the first of 3 consecutive G bases (chr11:111,911,609-111,911,611); duplicating any one gives the same sequence. VCF-style (leftmost placement, unchanged base first): chr11-111911608-C-CG. GRCh37 (hg19) VCF-style: chr11-111782332-C-CG.
Other names: c.116dup, p.Thr40fs (NM_001289807.1, NM_001368245.1, NM_001885.3); short protein forms T40fs.
Identifiers: ClinVar variation 4007137 (VCV004007137.1).

ClinVar aggregate classification (germline): Uncertain significance (1 of 4 stars; one submission).

Conditions:
Cardiovascular phenotype. Identifiers: MedGen CN230736.

Submission:

Ambry Genetics
Classification: Uncertain significance for Cardiovascular phenotype. Last evaluated: 2025-04-02. Review status: criteria provided, single submitter. Criteria: Ambry Variant Classification Scheme 2023. Collection method: clinical testing. Allele origin: germline.
Comment: The c.116dupC variant, located in coding exon 1 of the CRYAB gene, results from a duplication of C at nucleotide position 116, causing a translational frameshift with a predicted alternate stop codon (p.T40Dfs*23). This alteration is expected to result in protein truncation or nonsense-mediated mRNA decay. However, loss of function of CRYAB has not been established as a mechanism of disease. Based on the available evidence, the clinical significance of this alteration remains unclear.